The following is an entry in ClinVar:

ClinVar aggregate classification (germline): Uncertain significance (1 of 4 stars; one submission).

Conditions:
Tumor predisposition syndrome 3 (TPDS3). Also called: Melanoma, cutaneous malignant, susceptibility to, 10; LONG TELOMERE SYNDROME, POT1-RELATED; POT1 Tumor Predisposition; Glioma susceptibility 9. Identifiers: Orphanet 618, MedGen C4014476, MONDO:0014368, OMIM 615848.

Allele frequency attached by ClinVar (database versions not stated): gnomAD exomes below 0.00001.
gnomAD v4.1: 1 of 1,604,586 alleles (0.000062%); highest among the groups gnomAD compares: Non-Finnish European, 0.000085%; no homozygotes.

Submission:

Labcorp Genetics (formerly Invitae), Labcorp
Classification: Uncertain significance for Tumor predisposition syndrome 3. Last evaluated: 2024-11-14. Review status: criteria provided, single submitter. Criteria: Invitae Variant Classification Sherloc (09022015). Collection method: clinical testing. Allele origin: germline.
Comment: This sequence change replaces tryptophan, which is neutral and slightly polar, with cysteine, which is neutral and slightly polar, at codon 194 of the POT1 protein (p.Trp194Cys). This variant is not present in population databases (gnomAD no frequency). This variant has not been reported in the literature in individuals affected with POT1-related conditions. ClinVar contains an entry for this variant (Variation ID: 1485009). Invitae Evidence Modeling of protein sequence and biophysical properties (such as structural, functional, and spatial information, amino acid conservation, physicochemical variation, residue mobility, and thermodynamic stability) indicates that this missense variant is not expected to disrupt POT1 protein function with a negative predictive value of 80%. In summary, the available evidence is currently insufficient to determine the role of this variant in disease. Therefore, it has been classified as a Variant of Uncertain Significance.

NM_015450.3(POT1):c.582G>C (p.Trp194Cys)

Gene: POT1 (protection of telomeres 1; minus strand). Cytogenetic location: 7q31.33.
Variant type: single nucleotide variant.
Coding change: c.582G>C on transcript NM_015450.3 (MANE Select); coding-DNA position 582, G replaced by C.
Protein change: p.Trp194Cys; replaces tryptophan 194 with cysteine.
Molecular consequence: missense variant. On other transcripts: non-coding transcript variant (3).
Genome position (GRCh38, 1-based): chr7:124,859,077, C>G on the plus strand (G>C on the coding strand, the complement: POT1 is on the minus strand). VCF-style: chr7-124859077-C-G. GRCh37 (hg19) VCF-style: chr7-124499131-C-G.
Other names: c.189G>C, p.Trp63Cys (NM_001042594.2); short protein forms W194C, W63C.
Identifiers: ClinVar variation 1485009 (VCV001485009.8), dbSNP rs2116526346, ClinGen allele CA369056717.
Genomic context (GRCh38, chr7:124,859,077, plus strand): 5'-TTGTAGCCGATGGATGTGACTTAAATCACCTTCAAGAACAAGGTCTTGTATTAAGACTCT[C>G]CAAGATGGAAATGGTGTCCTGGTGCCATCCCATACCTGCCATAAGAGAGTAGAGTAGTTT-3'
Protein context (NP_056265.2, residues 184-204): WDGTRTPFPS[Trp194Cys]RVLIQDLVLE